The following is an entry in ClinVar:

NM_014946.4(SPAST):c.1048G>A (p.Ala350Thr)

Gene: SPAST (spastin; plus strand). Cytogenetic location: 2p22.3.
Variant type: single nucleotide variant.
Coding change: c.1048G>A on transcript NM_014946.4 (MANE Select); coding-DNA position 1048, G replaced by A.
Protein change: p.Ala350Thr; replaces alanine 350 with threonine.
Molecular consequence: missense variant.
Genome position (GRCh38, 1-based): chr2:32,116,162, G>A. VCF-style: chr2-32116162-G-A. GRCh37 (hg19) VCF-style: chr2-32341231-G-A.
Other names: c.1045G>A, p.Ala349Thr (NM_001363823.2); c.949G>A, p.Ala317Thr (NM_001363875.2); c.952G>A, p.Ala318Thr (NM_001377959.1, NM_199436.2); short protein forms A350T, A349T, A317T, A318T.
Identifiers: ClinVar variation 567908 (VCV000567908.8), dbSNP rs1553315333, ClinGen allele CA346499703.

ClinVar aggregate classification (germline): Uncertain significance (1 of 4 stars; one submission).

Conditions:
Hereditary spastic paraplegia 4. Also called: Spastic paraplegia 4, autosomal dominant; Spastic Paraplegia 4; Familial spastic paraplegia autosomal dominant 2. Identifiers: Orphanet 100985, MedGen C1866855, MONDO:0008438, OMIM 182601.

Submission:

Labcorp Genetics (formerly Invitae), Labcorp
Classification: Uncertain significance for Hereditary spastic paraplegia 4. Last evaluated: 2024-06-25. Review status: criteria provided, single submitter. Criteria: Invitae Variant Classification Sherloc (09022015). Collection method: clinical testing. Allele origin: germline.
Comment: This sequence change replaces alanine, which is neutral and non-polar, with threonine, which is neutral and polar, at codon 350 of the SPAST protein (p.Ala350Thr). This variant is not present in population databases (gnomAD no frequency). This variant has not been reported in the literature in individuals affected with SPAST-related conditions. ClinVar contains an entry for this variant (Variation ID: 567908). Advanced modeling of protein sequence and biophysical properties (such as structural, functional, and spatial information, amino acid conservation, physicochemical variation, residue mobility, and thermodynamic stability) performed at Invitae indicates that this missense variant is not expected to disrupt SPAST protein function with a negative predictive value of 80%. This variant disrupts the p.Ala350 amino acid residue in SPAST. Other variant(s) that disrupt this residue have been observed in individuals with SPAST-related conditions (PMID: 16240363; Invitae), which suggests that this may be a clinically significant amino acid residue. In summary, the available evidence is currently insufficient to determine the role of this variant in disease. Therefore, it has been classified as a Variant of Uncertain Significance.

Literature cited by the submitters: PubMed 16240363.